The following is an entry in ClinVar:

NM_004304.5(ALK):c.2172G>T (p.Gln724His)

Gene: ALK (ALK receptor tyrosine kinase; minus strand). Cytogenetic location: 2p23.2.
Variant type: single nucleotide variant.
Coding change: c.2172G>T on transcript NM_004304.5 (MANE Select); coding-DNA position 2172, G replaced by T.
Protein change: p.Gln724His; replaces glutamine 724 with histidine.
Molecular consequence: missense variant.
Genome position (GRCh38, 1-based): chr2:29,251,137, C>A on the plus strand (G>T on the coding strand, the complement: ALK is on the minus strand). VCF-style: chr2-29251137-C-A. GRCh37 (hg19) VCF-style: chr2-29474003-C-A.
Other names: c.2172G>T (NM_004304.4); short protein forms Q724H.
Identifiers: ClinVar variation 1499496 (VCV001499496.9), dbSNP rs771511785, ClinGen allele CA346476782.

ClinVar aggregate classification (germline): Uncertain significance. Review status: criteria provided, multiple submitters, no conflicts (2 of 4 stars). 2 submissions from 2 submitters: Uncertain significance (2). Last evaluated 2025-03-07.

Conditions:
Hereditary cancer-predisposing syndrome. Also called: Tumor predisposition; Hereditary neoplastic syndrome; Neoplastic Syndromes, Hereditary; Hereditary Cancer Syndrome. Identifiers: Orphanet 140162, MedGen C0027672, MeSH D009386, MONDO:0015356.
Neuroblastoma, susceptibility to, 3. Also called: ALK-Related Neuroblastic Tumor Susceptibility. Identifiers: Orphanet 635, MedGen C2751681, MONDO:0013083, OMIM 613014.

Submissions (2):

Ambry Genetics
Classification: Uncertain significance for Hereditary cancer-predisposing syndrome. Last evaluated: 2025-03-07. Review status: criteria provided, single submitter. Criteria: Ambry Variant Classification Scheme 2023. Collection method: clinical testing. Allele origin: germline.
Comment: The p.Q724H variant (also known as c.2172G>T), located in coding exon 12 of the ALK gene, results from a G to T substitution at nucleotide position 2172. The glutamine at codon 724 is replaced by histidine, an amino acid with highly similar properties. This amino acid position is conserved. In addition, this alteration is predicted to be deleterious by in silico analysis. Based on the available evidence, the clinical significance of this variant remains unclear.

Labcorp Genetics (formerly Invitae), Labcorp
Classification: Uncertain significance for Neuroblastoma, susceptibility to, 3. Last evaluated: 2022-09-01. Review status: criteria provided, single submitter. Criteria: Invitae Variant Classification Sherloc (09022015). Collection method: clinical testing. Allele origin: germline.
Comment: ClinVar contains an entry for this variant (Variation ID: 1499496). Algorithms developed to predict the effect of missense changes on protein structure and function are either unavailable or do not agree on the potential impact of this missense change (SIFT: "Deleterious"; PolyPhen-2: "Probably Damaging"; Align-GVGD: "Class C15"). In summary, the available evidence is currently insufficient to determine the role of this variant in disease. Therefore, it has been classified as a Variant of Uncertain Significance. This sequence change replaces glutamine, which is neutral and polar, with histidine, which is basic and polar, at codon 724 of the ALK protein (p.Gln724His). This variant is not present in population databases (gnomAD no frequency). This variant has not been reported in the literature in individuals affected with ALK-related conditions.